The following is an entry in ClinVar:

ClinVar aggregate classification (germline): Uncertain significance. Review status: reviewed by expert panel (3 of 4 stars). 3 submissions from 3 submitters: Uncertain significance (1). 2 of the submissions do not count toward it. Last evaluated 2026-10-27.

Conditions:
Congenital glaucoma. Identifiers: MedGen C0020302, MONDO:0020366.
CYP1B1-related glaucoma with or without anterior segment dysgenesis. Identifiers: MedGen CN375931, MONDO:0800472.

Allele frequency attached by ClinVar (database versions not stated): ExAC 0.00002; gnomAD exomes 0.00008 and 0.00004; gnomAD 0.00009; TOPMed 0.00008.

Submissions (3):

ClinGen Glaucoma Variant Curation Expert Panel
Classification: Uncertain significance for CYP1B1-related glaucoma with or without anterior segment dysgenesis. Last evaluated: 2026-10-27. Review status: reviewed by expert panel. Criteria: ClinGen Glaucoma ACMG Specifications CYP1B1 V2.0. Collection method: curation. Allele origin: germline. Inheritance: Autosomal recessive inheritance.
Comment: The c.46C>T variant in CYP1B1 is a synonymous variant (p.Leu16=). The highest minor allele frequency of this variant was in the Admixed American genetic ancestry group of gnomAD (v4.1) = 0.0002834 (17 alleles out of 59,986), which met the ≤ 0.0005 threshold set for PM2_Supporting in a genetic ancestry group of at least 2,000 alleles. The SpliceAI score = 0.05, which met the ≤ 0.1 threshold for BP4, suggesting that the variant does not impact CYP1B1 function. This synonymous variant is located outside of the first and the last 3 bases of the exon and BP4 is met, so BP7 is met. There was no functional evidence predicting a damaging or benign impact of this variant on CYP1B1 function. As BP4 was met, PM3 did not apply and occurrence of this variant with another CYP1B1 variant was not assessed. In summary, this variant met the criteria to receive a score of -1 and to be classified as a variant of uncertain significance (uncertain significance classification range -1 to 5, adapted from PMID: 32720330) for CYP1B1-related glaucoma with or without anterior segment dysgenesis (ASD) based on the ACMG/AMP criteria met, as specified by the ClinGen Glaucoma VCEP (v2.0, 16.07.2026): PM2_Supporting, BP4, BP7

Labcorp Genetics (formerly Invitae), Labcorp
Classification: Likely benign for Congenital glaucoma. Last evaluated: 2024-05-23. Review status: criteria provided, single submitter. Criteria: Invitae Variant Classification Sherloc (09022015). Collection method: clinical testing. Allele origin: germline. Not counted in ClinVar's aggregate classification.

Eurofins Ntd Llc (ga)
Classification: Uncertain significance. Last evaluated: 2016-05-24. Review status: criteria provided, single submitter. Criteria: EGL Classification Definitions 2015. Collection method: clinical testing. Allele origin: germline. Observed: 1 variant allele, 1 heterozygote. Not counted in ClinVar's aggregate classification.

NM_000104.4(CYP1B1):c.46C>T (p.Leu16=)

Gene: CYP1B1 (cytochrome P450 family 1 subfamily B member 1; minus strand). Cytogenetic location: 2p22.2.
Variant type: single nucleotide variant.
Coding change: c.46C>T on transcript NM_000104.4 (MANE Select); coding-DNA position 46, C replaced by T.
Protein change: p.Leu16=; no amino-acid change (leucine 16 retained).
Molecular consequence: synonymous variant.
Genome position (GRCh38, 1-based): chr2:38,075,343, G>A on the plus strand (C>T on the coding strand, the complement: CYP1B1 is on the minus strand). VCF-style: chr2-38075343-G-A. GRCh37 (hg19) VCF-style: chr2-38302486-G-A.
Other names: NM_000104.4(CYP1B1):c.46C>T; p.Leu16=.
Identifiers: ClinVar variation 287704 (VCV000287704.9), dbSNP rs9341246, ClinGen allele CA1620121.
Genomic context (GRCh38, chr2:38,075,343, plus strand): 5'-CCACATGCACAGTGGCCAGCACCGACAGGAGTAGCAGGAGCGTGGTCTGCTGGATGGACA[G>A]CGGGTTTAGCGGCCAAGGGTCGTTCGGGCTGAGGCTGGTGCCCATGCTGGGGACAGAGAG-3'
Protein context (NP_000095.2, residues 6-26): SPNDPWPLNP[Leu16=]SIQQTTLLLL